The following is an entry in ClinVar:

ClinVar aggregate classification (germline): Pathogenic. Review status: criteria provided, single submitter (1 of 4 stars). 2 submissions from 2 submitters: Pathogenic (1). 1 of the submissions does not count toward it. Last evaluated 2025-02-20.

Conditions:
Retinal dystrophy. Also called: Inherited retinal dystrophy. Identifiers: Orphanet 71862, MedGen C0854723, MeSH D058499, MONDO:0019118, HP:0000556.

Submissions (2):

Labcorp Genetics (formerly Invitae), Labcorp
Classification: Pathogenic. Last evaluated: 2025-02-20. Review status: criteria provided, single submitter. Criteria: Invitae Variant Classification Sherloc (09022015). Collection method: clinical testing. Allele origin: germline.
Comment: This sequence change creates a premature translational stop signal (p.Val17Alafs*116) in the FZD4 gene. While this is not anticipated to result in nonsense mediated decay, it is expected to disrupt the last 521 amino acid(s) of the FZD4 protein. This variant is not present in population databases (gnomAD no frequency). This premature translational stop signal has been observed in individual(s) with familial exudative vitreoretinopathy (PMID: 35394490). ClinVar contains an entry for this variant (Variation ID: 3249830). This variant disrupts a region of the FZD4 protein in which other variant(s) (p.Gln505*) have been determined to be pathogenic (PMID: 15223780, 23077402). This suggests that this is a clinically significant region of the protein, and that variants that disrupt it are likely to be disease-causing. For these reasons, this variant has been classified as Pathogenic.

Institute of Human Genetics, Univ. Regensburg, Univ. Regensburg
Classification: Pathogenic for Retinal dystrophy. Last evaluated: 2016-01-01. Review status: no assertion criteria provided. Criteria: ACMG Guidelines, 2015. Collection method: clinical testing. Allele origin: germline. Affected: yes. Not counted in ClinVar's aggregate classification.

Literature cited by the submitters: PubMed 35394490 (cited by Labcorp Genetics (formerly Invitae), Labcorp); PubMed 15223780 (cited by Labcorp Genetics (formerly Invitae), Labcorp); PubMed 23077402 (cited by Labcorp Genetics (formerly Invitae), Labcorp).

NM_012193.4(FZD4):c.29_38dup (p.Val17fs)

Gene: FZD4 (frizzled class receptor 4; minus strand). Cytogenetic location: 11q14.2.
Variant type: Duplication.
Coding change: c.29_38dup on transcript NM_012193.4 (MANE Select); coding-DNA positions 29 to 38, 10 bases duplicated (TCCCGGGGGC; older notation c.29_38dupTCCCGGGGGC).
Protein change: p.Val17fs; shifts the reading frame from valine 17.
Molecular consequence: frameshift variant.
Genome position (GRCh38, 1-based): chr11:86,955,048-86,955,057, GCCCCCGGGA duplicated on the plus strand (TCCCGGGGGC on the coding strand, the reverse complement: FZD4 is on the minus strand). VCF-style (leftmost placement, unchanged base first): chr11-86955047-C-CGCCCCCGGGA. GRCh37 (hg19) VCF-style: chr11-86666089-C-CGCCCCCGGGA.
Other names: short protein forms V17fs.
Identifiers: ClinVar variation 3249830 (VCV003249830.3).